The following is an entry in ClinVar:

ClinVar aggregate classification (germline): Uncertain significance (1 of 4 stars; one submission).

Allele frequency attached by ClinVar (database versions not stated): gnomAD exomes 0.00001; TOPMed 0.00002; gnomAD 0.00003 and 0.00004; ExAC 0.00009.
gnomAD v4.1: 13 of 1,546,262 alleles (0.00084%); highest among the groups gnomAD compares: African/African-American, 0.0055%; no homozygotes.

Submission:

Labcorp Genetics (formerly Invitae), Labcorp
Classification: Uncertain significance. Last evaluated: 2023-08-14. Review status: criteria provided, single submitter. Criteria: Invitae Variant Classification Sherloc (09022015). Collection method: clinical testing. Allele origin: germline.
Comment: In summary, the available evidence is currently insufficient to determine the role of this variant in disease. Therefore, it has been classified as a Variant of Uncertain Significance. This variant is present in population databases (rs761504179, gnomAD 0.02%). This sequence change replaces threonine, which is neutral and polar, with alanine, which is neutral and non-polar, at codon 1279 of the EYS protein (p.Thr1279Ala). This variant has not been reported in the literature in individuals affected with EYS-related conditions. Algorithms developed to predict the effect of missense changes on protein structure and function output the following: SIFT: "Not Available"; PolyPhen-2: "Benign"; Align-GVGD: "Not Available". The alanine amino acid residue is found in multiple mammalian species, which suggests that this missense change does not adversely affect protein function. ClinVar contains an entry for this variant (Variation ID: 1423077).

NM_001142800.2(EYS):c.3835A>G (p.Thr1279Ala)

Gene: EYS (eyes shut homolog; minus strand). Cytogenetic location: 6q12.
Variant type: single nucleotide variant.
Coding change: c.3835A>G on transcript NM_001142800.2 (MANE Select); coding-DNA position 3835, A replaced by G.
Protein change: p.Thr1279Ala; replaces threonine 1279 with alanine.
Molecular consequence: missense variant.
Genome position (GRCh38, 1-based): chr6:64,593,159, T>C on the plus strand (A>G on the coding strand, the complement: EYS is on the minus strand). VCF-style: chr6-64593159-T-C. GRCh37 (hg19) VCF-style: chr6-65303052-T-C.
Other names: c.3835A>G, p.Thr1279Ala (NM_001292009.2); short protein forms T1279A.
Identifiers: ClinVar variation 1423077 (VCV001423077.5), dbSNP rs761504179, ClinGen allele CA3877127.